The following is an entry in ClinVar:

NM_003742.4(ABCB11):c.3411+9C>T

Gene: ABCB11 (ATP binding cassette subfamily B member 11; minus strand). Cytogenetic location: 2q31.1.
Variant type: single nucleotide variant.
Coding change: c.3411+9C>T on transcript NM_003742.4 (MANE Select); 9 bases into the intron after coding-DNA position 3411, C replaced by T.
Molecular consequence: intron variant.
Genome position (GRCh38, 1-based): chr2:168,930,656, G>A on the plus strand (C>T on the coding strand, the complement: ABCB11 is on the minus strand). VCF-style: chr2-168930656-G-A. GRCh37 (hg19) VCF-style: chr2-169787166-G-A.
Other names: c.3411+9C>T (LRG_1199t1).
Identifiers: ClinVar variation 284293 (VCV000284293.23), dbSNP rs201287126, ClinGen allele CA1951037.

ClinVar aggregate classification (germline): Conflicting classifications of pathogenicity. Review status: criteria provided, conflicting classifications (1 of 4 stars). 5 submissions from 5 submitters: Uncertain significance (3); Likely benign (1). 1 of the submissions does not count toward it. Last evaluated 2026-01-24.

Conditions:
ABCB11-related disorder. Also called: ABCB11-related condition.
Benign recurrent intrahepatic cholestasis type 2 (BRIC2). Also called: Recurrent familial intrahepatic cholestasis 2. Identifiers: Orphanet 65682, Orphanet 99961, MedGen C2608083, MONDO:0011559, OMIM 605479.
Progressive familial intrahepatic cholestasis type 2. Identifiers: Orphanet 79304, MedGen C3489789, MONDO:0011156, OMIM 601847.

Allele frequency attached by ClinVar (database versions not stated): TOPMed 0.00009; gnomAD 0.00010 and 0.00011; ExAC 0.00011; gnomAD exomes 0.00012; ESP Exome Variant Server 0.00016; 1000 Genomes Project 0.00020; 1000 Genomes Project 30x 0.00031.
gnomAD v4.1: 269 of 1,484,872 alleles (0.018%); highest among the groups gnomAD compares: South Asian, 0.025%; no homozygotes.

Submissions (5):

Labcorp Genetics (formerly Invitae), Labcorp
Classification: Likely benign. Last evaluated: 2026-01-24. Review status: criteria provided, single submitter. Criteria: Invitae Variant Classification Sherloc (09022015). Collection method: clinical testing. Allele origin: germline.

Department of Pathology and Laboratory Medicine, Sinai Health System
Classification: Uncertain significance for Progressive familial intrahepatic cholestasis type 2; Benign recurrent intrahepatic cholestasis type 2. Last evaluated: 2021-10-18. Review status: criteria provided, single submitter. Criteria: ACMG Guidelines, 2015. Collection method: research. Allele origin: germline.

Illumina Laboratory Services, Illumina
Classification: Uncertain significance for Progressive familial intrahepatic cholestasis type 2. Last evaluated: 2018-01-13. Review status: criteria provided, single submitter. Criteria: ICSL Variant Classification Criteria 13 December 2019. Collection method: clinical testing. Allele origin: germline.

Eurofins Ntd Llc (ga)
Classification: Uncertain significance. Last evaluated: 2017-09-29. Review status: criteria provided, single submitter. Criteria: EGL Classification Definitions 2015. Collection method: clinical testing. Allele origin: germline. Observed: 3 variant alleles, 3 heterozygotes.

PreventionGenetics, part of Exact Sciences
Classification: Likely benign for ABCB11-related condition. Last evaluated: 2021-05-26. Review status: no assertion criteria provided. Collection method: clinical testing. Allele origin: germline. Not counted in ClinVar's aggregate classification.
Comment: This variant is classified as likely benign based on ACMG/AMP sequence variant interpretation guidelines (Richards et al. 2015 PMID: 25741868, with internal and published modifications).